The following is an entry in ClinVar:

ClinVar aggregate classification (germline): Pathogenic/Likely pathogenic. Review status: criteria provided, multiple submitters, no conflicts (2 of 4 stars). 5 submissions from 5 submitters: Pathogenic (3); Likely pathogenic (1). 1 of the submissions does not count toward it. Last evaluated 2024-12-29.

Conditions:
Dystonia 33 (DYT33). Identifiers: MedGen C5562054, MONDO:0030513, OMIM 619687.

Submissions (5):

GeneDx
Classification: Pathogenic. Last evaluated: 2024-12-29. Review status: criteria provided, single submitter. Criteria: GeneDx Variant Classification Process June 2021. Collection method: clinical testing. Allele origin: germline. Affected: yes.
Comment: Not observed at significant frequency in large population cohorts (gnomAD); In silico analysis indicates that this missense variant does not alter protein structure/function; This variant is associated with the following publications: (PMID: 35146068, 33866603, 35872528, 36670070, 33236446)

Labcorp Genetics (formerly Invitae), Labcorp
Classification: Pathogenic. Last evaluated: 2022-11-06. Review status: criteria provided, single submitter. Criteria: Invitae Variant Classification Sherloc (09022015). Collection method: clinical testing. Allele origin: germline.
Comment: Algorithms developed to predict the effect of missense changes on protein structure and function output the following: SIFT: "Tolerated"; PolyPhen-2: "Benign"; Align-GVGD: "Class C0". The arginine amino acid residue is found in multiple mammalian species, which suggests that this missense change does not adversely affect protein function. ClinVar contains an entry for this variant (Variation ID: 1332908). For these reasons, this variant has been classified as Pathogenic. This sequence change replaces glycine, which is neutral and non-polar, with arginine, which is basic and polar, at codon 130 of the EIF2AK2 protein (p.Gly130Arg). This variant is not present in population databases (gnomAD no frequency). This missense change has been observed in individual(s) with EIF2AK2-related conditions (PMID: 33236446, 33866603). In at least one individual the variant was observed to be de novo. It has also been observed to segregate with disease in related individuals.

SIB Swiss Institute of Bioinformatics
Classification: Likely pathogenic for Dystonia 33. Last evaluated: 2022-06-10. Review status: criteria provided, single submitter. Criteria: ACMG Guidelines, 2015. Collection method: curation. Allele origin: unknown.
Comment: This variant is interpreted as likely pathogenic for Dystonia 33, autosomal dominant. The following ACMG Tag(s) were applied: Absent from controls (or at extremely low frequency if recessive) in Exome Sequencing Project, 1000 Genomes Project, or Exome Aggregation Consortium (PM2); Cosegregation with disease in multiple affected family members in a gene definitively known to cause the disease (PP1 upgraded to moderate); Prevalence in affected individuals statistically increased over controls (PS4 downgraded to supporting); Assumed de novo, but no confirmation of paternity and maternity (PM6); Well-established functional studies show a deleterious effect (PS3 downgraded to supporting).

Institute of Human Genetics Munich, TUM University Hospital
Classification: Pathogenic for Dystonia 33. Last evaluated: 2020-12-01. Review status: criteria provided, single submitter. Criteria: Classification criteria August 2017. Collection method: clinical testing. Allele origin: germline, maternal. Inheritance: Autosomal dominant inheritance. Affected: yes. Observed: 2 variant alleles.

OMIM
Classification: Pathogenic for DYSTONIA 33. Last evaluated: 2022-02-10. Review status: no assertion criteria provided. Collection method: literature only. Allele origin: germline. Not counted in ClinVar's aggregate classification.

Literature cited by the submitters: PubMed 33236446 (cited by Labcorp Genetics (formerly Invitae), Labcorp and SIB Swiss Institute of Bioinformatics); PubMed 33866603 (cited by Labcorp Genetics (formerly Invitae), Labcorp and SIB Swiss Institute of Bioinformatics); Kuipers, D. J. S., Mandemakers, W., Lu, C.-S., Olgiati, S., Breedveld, G. J., Fevga, C., Tadic, V., Carecchio, M., Osterman, B., Sagi-Dain, L., Wu-Chou, Y.-H., Chen, C. C., and 22 others EIF2AK2 missense variants associated with early onset generalized dystonia. Ann. Neurol. 89: 485-497, 2021. (cited by OMIM); Musacchio, T., Zech, M., Reich, M. M., Winkelmann, J., Volkmann, J. A recurrent EIF2AK2 missense variant causes autosomal-dominant isolated dystonia. Ann. Neurol. 89: 1257-1258, 2021. (cited by OMIM).

NM_001135651.3(EIF2AK2):c.388G>A (p.Gly130Arg)

Gene: EIF2AK2 (eukaryotic translation initiation factor 2 alpha kinase 2; minus strand). Cytogenetic location: 2p22.2.
Variant type: single nucleotide variant.
Coding change: c.388G>A on transcript NM_001135651.3 (MANE Select); coding-DNA position 388, G replaced by A.
Protein change: p.Gly130Arg; replaces glycine 130 with arginine.
Molecular consequence: missense variant.
Genome position (GRCh38, 1-based): chr2:37,141,554, C>T on the plus strand (G>A on the coding strand, the complement: EIF2AK2 is on the minus strand). VCF-style: chr2-37141554-C-T. GRCh37 (hg19) VCF-style: chr2-37368697-C-T.
Other names: EIF2AK2, GLY130ARG, 388G-A; c.388G>A (NM_002759.3); c.388G>A, p.Gly130Arg (NM_001135652.3, NM_002759.4); short protein forms G130R.
Identifiers: ClinVar variation 1332908 (VCV001332908.10), dbSNP rs2148705154, ClinGen allele CA346319542.
Genomic context (GRCh38, chr2:37,141,554, plus strand): 5'-AAACCAACTTTATTGCTTAAATACAATGAAACAGAAAGAAAAGCCAAATTATGTCTTACC[C>T]TTCTGGCCCATGCACCCCCGATGCACACTGTTCATAATTTACAGTTAGTCTTTTCTTCTG-3'
Protein context (NP_001129123.1, residues 120-140): QCASGVHGPE[Gly130Arg]FHYKCKMGQK